The following is an entry in ClinVar:

NM_006231.4(POLE):c.3590delinsGGTCTGA (p.Met1197delinsArgSerGlu)

Gene: POLE (DNA polymerase epsilon, catalytic subunit; minus strand). Cytogenetic location: 12q24.33.
Variant type: Indel.
Coding change: c.3590delinsGGTCTGA on transcript NM_006231.4 (MANE Select); coding-DNA position 3590, T replaced by GGTCTGA.
Protein change: p.Met1197delinsArgSerGlu.
Molecular consequence: inframe indel.
Genome position (GRCh38, 1-based): chr12:132,649,882, A replaced by TCAGACC on the plus strand (T replaced by GGTCTGA on the coding strand, the reverse complement: POLE is on the minus strand). VCF-style: chr12-132649882-A-TCAGACC. GRCh37 (hg19) VCF-style: chr12-133226468-A-TCAGACC.
Other names: c.3590delinsGGTCTGA (NM_006231.2); c.3590delTinsGGTCTGA (NM_006231.2).
Identifiers: ClinVar variation 473606 (VCV000473606.9), dbSNP rs1555224131, ClinGen allele CA658658186.

ClinVar aggregate classification (germline): Uncertain significance. Review status: criteria provided, multiple submitters, no conflicts (2 of 4 stars). 3 submissions from 3 submitters: Uncertain significance (3). Last evaluated 2025-05-04.

Conditions:
Hereditary cancer-predisposing syndrome. Also called: Neoplastic Syndromes, Hereditary; Tumor predisposition; Hereditary Cancer Syndrome; Hereditary neoplastic syndrome. Identifiers: Orphanet 140162, MedGen C0027672, MeSH D009386, MONDO:0015356.

Submissions (3):

Labcorp Genetics (formerly Invitae), Labcorp
Classification: Uncertain significance. Last evaluated: 2025-05-04. Review status: criteria provided, single submitter. Criteria: Invitae Variant Classification Sherloc (09022015). Collection method: clinical testing. Allele origin: germline.
Comment: This variant, c.3590delinsGGTCTGA, is a complex sequence change that results in the deletion of 1 and insertion of 3 amino acid(s) in the POLE protein (p.Met1197delinsArgSerGlu). This variant is not present in population databases (gnomAD no frequency). This variant has not been reported in the literature in individuals affected with POLE-related conditions. ClinVar contains an entry for this variant (Variation ID: 3669390). Experimental studies and prediction algorithms are not available or were not evaluated, and the functional significance of this variant is currently unknown. In summary, the available evidence is currently insufficient to determine the role of this variant in disease. Therefore, it has been classified as a Variant of Uncertain Significance.

Ambry Genetics
Classification: Uncertain significance for Hereditary cancer-predisposing syndrome. Last evaluated: 2025-04-01. Review status: criteria provided, single submitter. Criteria: Ambry Variant Classification Scheme 2023. Collection method: clinical testing. Allele origin: germline.
Comment: The c.3590delTinsGGTCTGA variant ( also known as p.M1197delinsRSE), located in coding exon 30 of the POLE gene, results from an in-frame deletion of T and insertion of GGTCTGA at nucleotide position 3590. This results in the substitution of a methionine residue for three residues (Arg, Ser, Glu) at codon 1197. This amino acid position is not well conserved in available vertebrate species. In addition, this alteration is predicted to be neutral by in silico analysis (Choi Y et al. PLoS ONE. 2012; 7(10):e46688). Since supporting evidence is limited at this time, the clinical significance of this alteration remains unclear.

GeneDx
Classification: Uncertain significance. Last evaluated: 2022-11-06. Review status: criteria provided, single submitter. Criteria: GeneDx Variant Classification Process June 2021. Collection method: clinical testing. Allele origin: germline. Affected: yes.
Comment: In-frame deletion of 1 amino acid and insertion of 3 different amino acids in a non-repeat region; Has not been previously published as pathogenic or benign to our knowledge; Not observed at significant frequency in large population cohorts (gnomAD); In silico analysis supports that this variant does not alter protein structure/function